The following is an entry in ClinVar:

NM_022114.4(PRDM16):c.1684G>A (p.Val562Ile)

Gene: PRDM16 (PR/SET domain 16; plus strand). Cytogenetic location: 1p36.32.
Variant type: single nucleotide variant.
Coding change: c.1684G>A on transcript NM_022114.4 (MANE Select); coding-DNA position 1684, G replaced by A.
Protein change: p.Val562Ile; replaces valine 562 with isoleucine.
Molecular consequence: missense variant.
Genome position (GRCh38, 1-based): chr1:3,411,881, G>A. VCF-style: chr1-3411881-G-A. GRCh37 (hg19) VCF-style: chr1-3328445-G-A.
Other names: c.1684G>A, p.Val562Ile (NM_199454.3); short protein forms V562I.
Identifiers: ClinVar variation 227862 (VCV000227862.24), dbSNP rs150395260, ClinGen allele CA544256.

ClinVar aggregate classification (germline): Benign/Likely benign. Review status: criteria provided, multiple submitters, no conflicts (2 of 4 stars). 9 submissions from 9 submitters: Benign (1); Likely benign (5). 3 of the submissions do not count toward it. Last evaluated 2026-01-28.

Conditions:
PRDM16-related disorder. Also called: PRDM16-related condition.
Left ventricular noncompaction 8 (LVNC8). Identifiers: Orphanet 154, Orphanet 54260, MedGen C3809288, MONDO:0014152, OMIM 615373.

Allele frequency attached by ClinVar (database versions not stated): gnomAD exomes 0.00015 and 0.00052; ExAC 0.00064; ESP Exome Variant Server 0.00130; gnomAD 0.00156 and 0.00159; TOPMed 0.00167; 1000 Genomes Project 0.00319; 1000 Genomes Project 30x 0.00359.
gnomAD v4.1: 473 of 1,612,992 alleles (0.029%); highest among the groups gnomAD compares: African/African-American, 0.47%; no homozygotes.

Submissions (9):

Labcorp Genetics (formerly Invitae), Labcorp
Classification: Benign for Left ventricular noncompaction 8. Last evaluated: 2026-01-28. Review status: criteria provided, single submitter. Criteria: Invitae Variant Classification Sherloc (09022015). Collection method: clinical testing. Allele origin: germline.

Women's Health and Genetics/Laboratory Corporation of America, LabCorp
Classification: Likely benign. Last evaluated: 2025-06-07. Review status: criteria provided, single submitter. Criteria: LabCorp Variant Classification Summary - May 2015. Collection method: clinical testing. Allele origin: germline.

Blueprint Genetics
Classification: Likely benign. Last evaluated: 2024-08-26. Review status: criteria provided, single submitter. Criteria: ACMG Guidelines, 2015. Collection method: clinical testing. Allele origin: germline.

Fulgent Genetics
Classification: Likely benign for Left ventricular noncompaction 8. Last evaluated: 2021-11-11. Review status: criteria provided, single submitter. Criteria: ACMG Guidelines, 2015. Collection method: clinical testing. Allele origin: unknown.

GeneDx
Classification: Likely benign. Last evaluated: 2021-06-02. Review status: criteria provided, single submitter. Criteria: GeneDx Variant Classification Process June 2021. Collection method: clinical testing. Allele origin: germline. Affected: yes.

Laboratory for Molecular Medicine, Mass General Brigham Personalized Medicine
Classification: Likely benign. Last evaluated: 2014-11-24. Review status: criteria provided, single submitter. Criteria: LMM Criteria. Collection method: clinical testing. Allele origin: germline. Observed: 1 variant allele.
Comment: Val562Ile in exon 9 of PRDM16: This variant is not expected to have clinical sig nificance because it has been identified in 0.4% (15/4006) of African American c hromosomes from a broad population by the NHLBI Exome Sequencing Project (dbSNP rs150395260).

PreventionGenetics, part of Exact Sciences
Classification: Benign for PRDM16-related condition. Last evaluated: 2024-09-15. Review status: no assertion criteria provided. Collection method: clinical testing. Allele origin: germline. Not counted in ClinVar's aggregate classification.
Comment: This variant is classified as benign based on ACMG/AMP sequence variant interpretation guidelines (Richards et al. 2015 PMID: 25741868, with internal and published modifications).

Clinical Genetics DNA and cytogenetics Diagnostics Lab, Erasmus MC, Erasmus Medical Center
Classification: Likely benign. Review status: no assertion criteria provided. Collection method: clinical testing. Allele origin: germline. Affected: yes. Study: VKGL Data-share Consensus. Not counted in ClinVar's aggregate classification.

Clinical Genetics, Academic Medical Center
Classification: Benign. Review status: no assertion criteria provided. Collection method: clinical testing. Allele origin: germline. Affected: yes. Study: VKGL Data-share Consensus. Not counted in ClinVar's aggregate classification.